The following is an entry in ClinVar:

NM_018192.4(P3H2):c.1480A>G (p.Arg494Gly)

Gene: P3H2 (prolyl 3-hydroxylase 2; minus strand). Cytogenetic location: 3q28.
Variant type: single nucleotide variant.
Coding change: c.1480A>G on transcript NM_018192.4 (MANE Select); coding-DNA position 1480, A replaced by G.
Protein change: p.Arg494Gly; replaces arginine 494 with glycine.
Molecular consequence: missense variant.
Genome position (GRCh38, 1-based): chr3:189,973,977, T>C on the plus strand (A>G on the coding strand, the complement: P3H2 is on the minus strand). VCF-style: chr3-189973977-T-C. GRCh37 (hg19) VCF-style: chr3-189691766-T-C.
Other names: c.937A>G, p.Arg313Gly (NM_001134418.2); short protein forms R313G, R494G.
Identifiers: ClinVar variation 1520654 (VCV001520654.4), dbSNP rs766729715, ClinGen allele CA2752901.
Genomic context (GRCh38, chr3:189,973,977, plus strand): 5'-CTTTCAGGACAGTTGCACCTTCAAACTTTTCATTGGGTGTATGGGGTGAAGTTTTTCCTC[T>C]GTATCCATCACCAACAAGCATGATTCCCTGGAAGCAAATACAAGAAGATACGTCATCAAT-3'
Protein context (NP_060662.2, residues 484-504): SGIMLVGDGY[Arg494Gly]GKTSPHTPNE

ClinVar aggregate classification (germline): Uncertain significance (1 of 4 stars; one submission).

Allele frequency attached by ClinVar (database versions not stated): TOPMed 0.00001; gnomAD 0.00003.
gnomAD v4.1: 12 of 1,613,964 alleles (0.00074%); highest among the groups gnomAD compares: Middle Eastern, 0.016%; no homozygotes.

Submission:

Labcorp Genetics (formerly Invitae), Labcorp
Classification: Uncertain significance. Last evaluated: 2021-10-20. Review status: criteria provided, single submitter. Criteria: Invitae Variant Classification Sherloc (09022015). Collection method: clinical testing. Allele origin: germline.
Comment: In summary, the available evidence is currently insufficient to determine the role of this variant in disease. Therefore, it has been classified as a Variant of Uncertain Significance. Algorithms developed to predict the effect of missense changes on protein structure and function are either unavailable or do not agree on the potential impact of this missense change (SIFT: "Deleterious"; PolyPhen-2: "Possibly Damaging"; Align-GVGD: "Class C0"). This variant has not been reported in the literature in individuals affected with P3H2-related conditions. This variant is present in population databases (rs766729715, ExAC 0.001%). This sequence change replaces arginine with glycine at codon 494 of the P3H2 protein (p.Arg494Gly). The arginine residue is highly conserved and there is a moderate physicochemical difference between arginine and glycine.